The following is an entry in ClinVar:

ClinVar aggregate classification (germline): Pathogenic/Likely pathogenic. Review status: criteria provided, multiple submitters, no conflicts (2 of 4 stars). 2 submissions from 2 submitters: Pathogenic (1); Likely pathogenic (1). Last evaluated 2018-07-18.

Conditions:
Autosomal dominant intellectual disability-craniofacial anomalies-cardiac defects syndrome (ARTHS). Also called: Mental retardation, autosomal dominant 32; Arboleda-Tham syndrome; KAT6A syndrome. Identifiers: Orphanet 457193, MedGen C4225396, MONDO:0014558, OMIM 616268.

Submissions (2):

GeneDx
Classification: Likely pathogenic. Last evaluated: 2018-07-18. Review status: criteria provided, single submitter. Criteria: GeneDx Variant Classification (06012015). Collection method: clinical testing. Allele origin: germline. Affected: yes.
Comment: The c.4038delT variant in the KAT6A gene has not been reported previously as a pathogenic variant nor as a benign variant, to our knowledge. The c.4038delT variant causes a frameshift starting with codon Valine 1347, changes this amino acid to a Phenylalanine residue, and creates a premature Stop codon at position 6 of the new reading frame, denoted p.Val1347PhefsX6. This variant is predicted to cause loss of normal protein function through protein truncation. The c.4038delT variant is not observed in large population cohorts (Lek et al., 2016). We interpret c.4038delT as a likely pathogenic variant.

Genomic Medicine Lab, University of California San Francisco
Classification: Pathogenic for Autosomal dominant intellectual disability-craniofacial anomalies-cardiac defects syndrome. Last evaluated: 2018-04-26. Review status: criteria provided, single submitter. Criteria: ACMG Guidelines, 2015. Collection method: clinical testing. Allele origin: unknown. Inheritance: Autosomal dominant inheritance. Affected: yes. Study: CSER.
Comment: A reportable heterozygous frameshift variant in the KAT6A, gene(c.4038delT) was identified at chromosomal position chr8: 41791700 (hg19). The KAT6A gene is a member of the MYST family of proteins. KAT6A is a lysine acetyltransferase and is part of the complex responsible for transcriptional regulation through acetylation of lysine 9 on histone H3. Variants in this gene are associated with Mental Retardation, Autosomal Dominant 32; MRD32 (MIM: 616268). In particular individuals with de novo loss of function variants in this gene have been described to have global developmental delay with speech delay, microcephaly, hypotonia, feeding difficulties, and subtle facial dysmorphysm including thin upper lip, bitemporal narrowing / large forehead, flat nasal bridge with broad nasal tip, microretrognathia and posteriorly located or low-set years. Congenital cardiac defects, ocular abnormalities and cardiac defects have also been reported while intermitted neutropenia has been described in one patient. This variant is not reported in the 1000 Genomes, ExAC, or gnomAD population sequencing projects and data from the ExAC database show that this gene is intolerant to loss of function variants (pLI=1). Furthermore, this variant is located in the acidic glutamate/aspartate-rich region consistent with the location of other pathogenic truncating variants reported to date.

NM_006766.5(KAT6A):c.4038del (p.Val1347fs)

Gene: KAT6A (lysine acetyltransferase 6A; minus strand). Cytogenetic location: 8p11.21.
Variant type: Deletion.
Coding change: c.4038del on transcript NM_006766.5 (MANE Select); coding-DNA position 4038, one base deleted (T; older notation c.4038delT).
Protein change: p.Val1347fs; shifts the reading frame from valine 1347.
Molecular consequence: frameshift variant.
Genome position (GRCh38, 1-based): chr8:41,934,182, A deleted on the plus strand (T on the coding strand, the reverse complement: KAT6A is on the minus strand). VCF-style (leftmost placement, unchanged base first): chr8-41934181-CA-C. GRCh37 (hg19) VCF-style: chr8-41791699-CA-C.
Other names: short protein forms V1347fs.
Identifiers: ClinVar variation 617516 (VCV000617516.3), dbSNP rs1564005155, ClinGen allele CA913189411.
Genomic context (GRCh38, chr8:41,934,181, plus strand): 5'-CTTTATCCTTTATCTTTTCCCTACTCTTCTGCATATTAGCATCTAAAAAAGACTCTTGAA[CA>C]CCAGGCTCCTCCTTGACATCTTCCCTCGTGGGCTGTTCCTCTAGCTCCTTTTTCTTTGTG-3'